The following is an entry in ClinVar:

NM_000166.6(GJB1):c.406_407dup (p.Ile137fs)

Gene: GJB1 (gap junction protein beta 1; plus strand). Cytogenetic location: Xq13.1.
Variant type: Duplication.
Coding change: c.406_407dup on transcript NM_000166.6 (MANE Select); coding-DNA positions 406 to 407, 2 bases duplicated (GT; older notation c.406_407dupGT).
Protein change: p.Ile137fs; shifts the reading frame from isoleucine 137.
Molecular consequence: frameshift variant.
Genome position (GRCh38, 1-based): chrX:71,224,113-71,224,114, GT duplicated; duplicating any 2 consecutive bases within chrX:71,224,112-71,224,114 gives the same sequence; the c. name uses the placement nearest the transcript's 3' end. VCF-style (leftmost placement, unchanged base first): chrX-71224111-A-ATG. GRCh37 (hg19) VCF-style: chrX-70443961-A-ATG.
Other names: c.406_407dup, p.Ile137fs (NM_001097642.3); c.404_405insTG (NM_001097642.3); short protein forms I137fs.
Identifiers: ClinVar variation 2575088 (VCV002575088.1), dbSNP rs2519798469, ClinGen allele CA2580612285.

ClinVar aggregate classification (germline): Likely pathogenic (1 of 4 stars; one submission).

Conditions:
Charcot-Marie-Tooth disease X-linked dominant 1. Also called: Charcot-Marie-Tooth Neuropathy X Type 1; HEREDITARY MOTOR AND SENSORY NEUROPATHY, X-LINKED; HMSN, X-LINKED; CHARCOT-MARIE-TOOTH NEUROPATHY, X-LINKED, 1; CHARCOT-MARIE-TOOTH PERONEAL MUSCULAR ATROPHY, X-LINKED; GJB1 Disorders: Charcot-Marie-Tooth Neuropathy (CMT1X) and Central Nervous System Phenotypes. Identifiers: Orphanet 101075, MedGen C0393808, MONDO:0010549, OMIM 302800.

Submission:

HUSP Clinical Genetics Laboratory, Hospital Universitario San Pedro De Logroño (HUSP)
Classification: Likely pathogenic for Charcot-Marie-Tooth disease X-linked dominant 1. Review status: criteria provided, single submitter. Criteria: ACMG Guidelines, 2015. Collection method: clinical testing. Allele origin: germline. Inheritance: X-linked inheritance. Affected: yes. Observed: 3 variant alleles. Clinical features observed: Polyneuropathy (HP:0001271).
Comment: The c.404_405insTG variant in the exon 2 of the GJB1 (NM_001097642.3) gen is a insertion of two nucleotides that results in a premature stop codon (p.Ile137SerfsTer60). This variant has not been reported previously in the literature and it is not detected in general population. Pathogenic variants in the GJB1 gene have been associated with the following phenotype: Charcot-Marie-Tooth neuropathy type 1 , with X-linked dominant inheritance. The genetic study carried out in the children determines that both of them present this variant.